The following is an entry in ClinVar:

NM_152564.5(VPS13B):c.7211T>C (p.Val2404Ala)

Gene: VPS13B (vacuolar protein sorting 13 homolog B; plus strand). Cytogenetic location: 8q22.2.
Variant type: single nucleotide variant.
Coding change: c.7211T>C on transcript NM_152564.5 (MANE Select); coding-DNA position 7211, T replaced by C.
Protein change: p.Val2404Ala; replaces valine 2404 with alanine.
Molecular consequence: missense variant.
Genome position (GRCh38, 1-based): chr8:99,766,934, T>C. VCF-style: chr8-99766934-T-C. GRCh37 (hg19) VCF-style: chr8-100779162-T-C.
Other names: c.7286T>C, p.Val2429Ala (NM_017890.5); short protein forms V2429A, V2404A.
Identifiers: ClinVar variation 3706625 (VCV003706625.2).

ClinVar aggregate classification (germline): Uncertain significance (1 of 4 stars; one submission).

Conditions:
Cohen syndrome (COH1). Also called: Cutis verticis gyrata, retinitis pigmentosa, and sensorineural deafness; PEPPER SYNDROME. Identifiers: Orphanet 193, MedGen C0265223, MONDO:0008999, OMIM 216550.

Submission:

Labcorp Genetics (formerly Invitae), Labcorp
Classification: Uncertain significance for Cohen syndrome. Last evaluated: 2025-11-03. Review status: criteria provided, single submitter. Criteria: Invitae Variant Classification Sherloc (09022015). Collection method: clinical testing. Allele origin: germline.
Comment: This sequence change replaces valine, which is neutral and non-polar, with alanine, which is neutral and non-polar, at codon 2429 of the VPS13B protein (p.Val2429Ala). This variant is not present in population databases (gnomAD no frequency). This variant has not been reported in the literature in individuals affected with VPS13B-related conditions. ClinVar contains an entry for this variant (Variation ID: 3706625). Invitae Evidence Modeling of protein sequence and biophysical properties (such as structural, functional, and spatial information, amino acid conservation, physicochemical variation, residue mobility, and thermodynamic stability) indicates that this missense variant is expected to disrupt VPS13B protein function with a positive predictive value of 80%. In summary, the available evidence is currently insufficient to determine the role of this variant in disease. Therefore, it has been classified as a Variant of Uncertain Significance.